The following is an entry in ClinVar:

ClinVar aggregate classification (germline): Uncertain significance (1 of 4 stars; one submission).

Allele frequency attached by ClinVar (database versions not stated): gnomAD 0.00001; TOPMed 0.00001.
gnomAD v4.1: 1 of 1,600,534 alleles (0.000062%); highest among the groups gnomAD compares: African/African-American, 0.0014%; no homozygotes.

Submission:

Labcorp Genetics (formerly Invitae), Labcorp
Classification: Uncertain significance. Last evaluated: 2025-10-18. Review status: criteria provided, single submitter. Criteria: Invitae Variant Classification Sherloc (09022015). Collection method: clinical testing. Allele origin: germline.
Comment: This sequence change replaces isoleucine, which is neutral and non-polar, with threonine, which is neutral and polar, at codon 643 of the EMC1 protein (p.Ile643Thr). This variant is present in population databases (no rsID available, gnomAD 0.007%). This variant has not been reported in the literature in individuals affected with EMC1-related conditions. ClinVar contains an entry for this variant (Variation ID: 2795251). Invitae Evidence Modeling of protein sequence and biophysical properties (such as structural, functional, and spatial information, amino acid conservation, physicochemical variation, residue mobility, and thermodynamic stability) indicates that this missense variant is expected to disrupt EMC1 protein function with a positive predictive value of 80%. In summary, the available evidence is currently insufficient to determine the role of this variant in disease. Therefore, it has been classified as a Variant of Uncertain Significance.

NM_015047.3(EMC1):c.1928T>C (p.Ile643Thr)

Genes: EMC1 (ER membrane protein complex subunit 1; minus strand), EMC1-AS1 (EMC1 antisense RNA 1; plus strand). Cytogenetic location: 1p36.13.
Variant type: single nucleotide variant.
Coding change: c.1928T>C on transcript NM_015047.3 (MANE Select); coding-DNA position 1928, T replaced by C.
Protein change: p.Ile643Thr; replaces isoleucine 643 with threonine.
Molecular consequence: missense variant.
Genome position (GRCh38, 1-based): chr1:19,231,277, A>G on the plus strand (T>C on the coding strand, the complement: EMC1 is on the minus strand). VCF-style: chr1-19231277-A-G. GRCh37 (hg19) VCF-style: chr1-19557771-A-G.
Other names: c.1925T>C, p.Ile642Thr (NM_001271427.2, NM_001271428.2); c.1862T>C, p.Ile621Thr (NM_001271429.2); c.1937T>C, p.Ile646Thr (NM_001375820.1); c.1934T>C, p.Ile645Thr (NM_001375821.1); short protein forms I646T, I642T, I621T, I643T, I645T.
Identifiers: ClinVar variation 2795251 (VCV002795251.3), dbSNP rs1307511146, ClinGen allele CA338759157.
Genomic context (GRCh38, chr1:19,231,277, plus strand): 5'-CCGGACTCCGCTAGCATGTTCTCCATCCCCTCTGAAGACAGTACCTTGTATTCATCATCT[A>G]TCAACAGCAACACCTTGGCGTAGTCTTGATCCATGACTGGGAGAAGCAAGGACTGCAAGA-3'
Protein context (NP_055862.1, residues 633-653): DQDYAKVLLL[Ile643Thr]DDEYKVTAFP